The following is an entry in ClinVar:

Conditions:
Long QT syndrome 5 (LQT5). Identifiers: Orphanet 101016, Orphanet 768, MedGen C1867904, MONDO:0013372, OMIM 613695.

Submission:

Roden Lab, Vanderbilt University Medical Center
No classification provided (evidence only). Condition: Long QT syndrome 5. Review status: no classification provided. Collection method: in vitro. Allele origin: not applicable. Functional consequence: Effect on ion channel function.
ClinVar note: "not provided" was previously submitted as the classification for the variant. However, the classification appeared to be based only on an observation of functional data so it was converted to no classification on 2025-07-30.

NM_000219.6(KCNE1):c.369T>A (p.Pro123=)

Gene: KCNE1 (potassium voltage-gated channel subfamily E regulatory subunit 1; minus strand). Cytogenetic location: 21q22.12.
Variant type: single nucleotide variant.
Coding change: c.369T>A on transcript NM_000219.6 (MANE Select); coding-DNA position 369, T replaced by A.
Protein change: p.Pro123=; no amino-acid change (proline 123 retained).
Molecular consequence: synonymous variant.
Genome position (GRCh38, 1-based): chr21:34,449,266, A>T on the plus strand (T>A on the coding strand, the complement: KCNE1 is on the minus strand). VCF-style: chr21-34449266-A-T. GRCh37 (hg19) VCF-style: chr21-35821564-A-T.
Other names: c.369T>A, p.Pro123= (NM_001127668.4, NM_001127669.4, NM_001127670.4 and 4 more transcripts).
Identifiers: ClinVar variation 3373838 (VCV003373838.2).
Genomic context (GRCh38, chr21:34,449,266, plus strand): 5'-GCCAGGCAGGATGTGTCCAGTTTTAGCCAGTGGTGGGGTTCATGGGGAAGGCTTCGTCTC[A>T]GGAAGGTGTGTGTTGGGTTGTTCTATGGCCAGATGGTTTTCAACGACATAGCACGACCTG-3'
Protein context (NP_000210.2, residues 113-129): LAIEQPNTHL[Pro123=]ETKPSP